The following is an entry in ClinVar:

ClinVar aggregate classification (germline): Uncertain significance (1 of 4 stars; one submission).

Submission:

GeneDx
Classification: Uncertain significance. Last evaluated: 2024-02-26. Review status: criteria provided, single submitter. Criteria: GeneDx Variant Classification Process June 2021. Collection method: clinical testing. Allele origin: germline. Affected: yes.
Comment: Not observed at significant frequency in large population cohorts (gnomAD); In silico analysis supports that this missense variant has a deleterious effect on protein structure/function; Has not been previously published as pathogenic or benign to our knowledge; This substitution is predicted to be within the intracellular loop between the S4 and S5 transmembrane segments of the third homologous domain

NM_001165963.4(SCN1A):c.4001G>C (p.Arg1334Thr)

Genes: SCN1A (sodium voltage-gated channel alpha subunit 1; minus strand), LOC102724058 (uncharacterized LOC102724058; plus strand). Cytogenetic location: 2q24.3.
Variant type: single nucleotide variant.
Coding change: c.4001G>C on transcript NM_001165963.4 (MANE Select); coding-DNA position 4001, G replaced by C.
Protein change: p.Arg1334Thr; replaces arginine 1334 with threonine.
Molecular consequence: missense variant. On other transcripts: non-coding transcript variant (1).
Genome position (GRCh38, 1-based): chr2:166,009,720, C>G on the plus strand (G>C on the coding strand, the complement: SCN1A is on the minus strand). VCF-style: chr2-166009720-C-G. GRCh37 (hg19) VCF-style: chr2-166866230-C-G.
Other names: c.3917G>C, p.Arg1306Thr (NM_001165964.3, NM_001353957.2, NM_001353958.2); c.4001G>C, p.Arg1334Thr (NM_001202435.3, NM_001353948.2); c.3968G>C, p.Arg1323Thr (NM_001353949.2, NM_001353950.2, NM_001353951.2 and 2 more transcripts); c.3965G>C, p.Arg1322Thr (NM_001353954.2, NM_001353955.2); c.3914G>C, p.Arg1305Thr (NM_001353960.2); c.1559G>C, p.Arg520Thr (NM_001353961.2); short protein forms R1305T, R1306T, R1322T, R1323T, R1334T, R520T.
Identifiers: ClinVar variation 3369666 (VCV003369666.1).